The following is an entry in ClinVar:

ClinVar aggregate classification (germline): Uncertain significance (1 of 4 stars; one submission).

gnomAD v4.1: 1 of 1,612,900 alleles (0.000062%); highest among the groups gnomAD compares: Non-Finnish European, 0.000085%; no homozygotes.

Submission:

Labcorp Genetics (formerly Invitae), Labcorp
Classification: Uncertain significance. Last evaluated: 2024-07-01. Review status: criteria provided, single submitter. Criteria: Invitae Variant Classification Sherloc (09022015). Collection method: clinical testing. Allele origin: germline.
Comment: This sequence change replaces asparagine, which is neutral and polar, with tyrosine, which is neutral and polar, at codon 789 of the PACS2 protein (p.Asn789Tyr). This variant is present in population databases (no rsID available, gnomAD 0.0009%). This variant has not been reported in the literature in individuals affected with PACS2-related conditions. Advanced modeling of protein sequence and biophysical properties (such as structural, functional, and spatial information, amino acid conservation, physicochemical variation, residue mobility, and thermodynamic stability) has been performed at Invitae for this missense variant, however the output from this modeling did not meet the statistical confidence thresholds required to predict the impact of this variant on PACS2 protein function. In summary, the available evidence is currently insufficient to determine the role of this variant in disease. Therefore, it has been classified as a Variant of Uncertain Significance.

NM_001100913.3(PACS2):c.2365A>T (p.Asn789Tyr)

Gene: PACS2 (phosphofurin acidic cluster sorting protein 2; plus strand). Cytogenetic location: 14q32.33.
Variant type: single nucleotide variant.
Coding change: c.2365A>T on transcript NM_001100913.3 (MANE Select); coding-DNA position 2365, A replaced by T.
Protein change: p.Asn789Tyr; replaces asparagine 789 with tyrosine.
Molecular consequence: missense variant.
Genome position (GRCh38, 1-based): chr14:105,392,728, A>T. VCF-style: chr14-105392728-A-T. GRCh37 (hg19) VCF-style: chr14-105859065-A-T.
Other names: c.2095A>T, p.Asn699Tyr (NM_001243127.3); c.2320A>T, p.Asn774Tyr (NM_015197.4); short protein forms N774Y, N699Y, N789Y.
Identifiers: ClinVar variation 3691226 (VCV003691226.2).